The following is an entry in ClinVar:

NM_007194.4(CHEK2):c.653A>T (p.Asp218Val)

Gene: CHEK2 (checkpoint kinase 2; minus strand). Cytogenetic location: 22q12.1.
Variant type: single nucleotide variant.
Coding change: c.653A>T on transcript NM_007194.4 (MANE Select); coding-DNA position 653, A replaced by T.
Protein change: p.Asp218Val; replaces aspartic acid 218 with valine.
Molecular consequence: missense variant. On other transcripts: 5 prime UTR variant (2), intron variant (1).
Genome position (GRCh38, 1-based): chr22:28,719,425, T>A on the plus strand (A>T on the coding strand, the complement: CHEK2 is on the minus strand). VCF-style: chr22-28719425-T-A. GRCh37 (hg19) VCF-style: chr22-29115413-T-A.
Other names: c.782A>T, p.Asp261Val (NM_001005735.3, NM_001438294.1); c.-11A>T (NM_001257387.3, NM_001437942.1); c.746A>T, p.Asp249Val (NM_001438293.1, NM_001438295.1); c.653A>T, p.Asp218Val (NM_145862.3); c.482+5461A>T (NM_001349956.3); c.653A>T (NM_007194.3); short protein forms D218V, D261V, D249V.
Identifiers: ClinVar variation 2680749 (VCV002680749.2), dbSNP rs961959952, ClinGen allele CA411104954.
Genomic context (GRCh38, chr22:28,719,425, plus strand): 5'-TAAGTGCATTTATATAAGAAAATAATTTACCTTCCAAGAGTTTTTGACATGATGTATTCA[T>A]CTCTTAATGCCTTAGGATAAACTGACTGATCATCTACAGTCAGATCAAAAAAGACAAAAA-3'
Protein context (NP_009125.1, residues 208-228): DQSVYPKALR[Asp218Val]EYIMSKTLGS

ClinVar aggregate classification (germline): Uncertain significance. Review status: criteria provided, multiple submitters, no conflicts (2 of 4 stars). 2 submissions from 2 submitters: Uncertain significance (2). Last evaluated 2026-05-01.

Conditions:
Hereditary cancer-predisposing syndrome. Also called: Tumor predisposition; Hereditary neoplastic syndrome; Neoplastic Syndromes, Hereditary; Hereditary Cancer Syndrome. Identifiers: Orphanet 140162, MedGen C0027672, MeSH D009386, MONDO:0015356.
Familial cancer of breast. Also called: hereditary breast carcinoma; Hereditary breast cancer; BREAST CANCER, FAMILIAL. Identifiers: Orphanet 227535, MedGen C0346153, MONDO:0016419, OMIM 114480. Disease mechanism: loss of function.

Submissions (2):

Ambry Genetics
Classification: Uncertain significance for Hereditary cancer-predisposing syndrome. Last evaluated: 2026-05-01. Review status: criteria provided, single submitter. Criteria: Ambry Variant Classification Scheme 2023. Collection method: clinical testing. Allele origin: germline.
Comment: The p.D218V variant (also known as c.653A>T), located in coding exon 4 of the CHEK2 gene, results from an A to T substitution at nucleotide position 653. The aspartic acid at codon 218 is replaced by valine, an amino acid with highly dissimilar properties. This amino acid position is conserved. In addition, the in silico prediction for this alteration is inconclusive. Based on the available evidence, the clinical significance of this variant remains unclear.

Baylor Genetics
Classification: Uncertain significance for Familial cancer of breast. Last evaluated: 2023-07-03. Review status: criteria provided, single submitter. Criteria: ACMG Guidelines, 2015. Collection method: clinical testing. Allele origin: unknown.